The following is an entry in ClinVar:

ClinVar aggregate classification (germline): Uncertain significance (1 of 4 stars; one submission).

Conditions:
GROWTH HORMONE DEFICIENCY WITH PITUITARY ANOMALIES. Identifiers: MedGen C2750027, OMIM 182230.
Septo-optic dysplasia sequence (SOD). Also called: Septo-optic dysplasia; DE MORSIER SYNDROME. Identifiers: Orphanet 3157, MedGen C0338503, MONDO:0008428, OMIM 182230, HP:0100842.

Submission:

Labcorp Genetics (formerly Invitae), Labcorp
Classification: Uncertain significance for GROWTH HORMONE DEFICIENCY WITH PITUITARY ANOMALIES; Septo-optic dysplasia sequence. Last evaluated: 2022-10-16. Review status: criteria provided, single submitter. Criteria: Invitae Variant Classification Sherloc (09022015). Collection method: clinical testing. Allele origin: germline.
Comment: In summary, the available evidence is currently insufficient to determine the role of this variant in disease. Therefore, it has been classified as a Variant of Uncertain Significance. Algorithms developed to predict the effect of missense changes on protein structure and function are either unavailable or do not agree on the potential impact of this missense change (SIFT: "Deleterious"; PolyPhen-2: "Benign"; Align-GVGD: "Class C65"). This variant has not been reported in the literature in individuals affected with HESX1-related conditions. This variant is not present in population databases (gnomAD no frequency). This sequence change replaces proline, which is neutral and non-polar, with leucine, which is neutral and non-polar, at codon 44 of the HESX1 protein (p.Pro44Leu).

NM_003865.3(HESX1):c.131C>T (p.Pro44Leu)

Gene: HESX1 (HESX homeobox 1; minus strand). Cytogenetic location: 3p14.3.
Variant type: single nucleotide variant.
Coding change: c.131C>T on transcript NM_003865.3 (MANE Select); coding-DNA position 131, C replaced by T.
Protein change: p.Pro44Leu; replaces proline 44 with leucine.
Molecular consequence: missense variant.
Genome position (GRCh38, 1-based): chr3:57,199,788, G>A on the plus strand (C>T on the coding strand, the complement: HESX1 is on the minus strand). VCF-style: chr3-57199788-G-A. GRCh37 (hg19) VCF-style: chr3-57233816-G-A.
Other names: c.131C>T, p.Pro44Leu (NM_001376058.1, NM_001376059.1, NM_001376060.1 and 1 more transcripts); short protein forms P44L.
Identifiers: ClinVar variation 2927333 (VCV002927333.3), dbSNP rs2471737008, ClinGen allele CA353401969.